The following is an entry in ClinVar:

NM_001040142.2(SCN2A):c.2150-306T>C

Gene: SCN2A (sodium voltage-gated channel alpha subunit 2; plus strand). Cytogenetic location: 2q24.3.
Variant type: single nucleotide variant.
Coding change: c.2150-306T>C on transcript NM_001040142.2 (MANE Select); 306 bases into the intron before coding-DNA position 2150, T replaced by C.
Molecular consequence: intron variant.
Genome position (GRCh38, 1-based): chr2:165,331,024, T>C. VCF-style: chr2-165331024-T-C. GRCh37 (hg19) VCF-style: chr2-166187534-T-C.
Other names: c.2150-306T>C (NM_001040143.2, NM_001371246.1, NM_001371247.1 and 1 more transcripts).
Identifiers: ClinVar variation 684240 (VCV000684240.1), dbSNP rs7596027, ClinGen allele CA59741019.
Genomic context (GRCh38, chr2:165,331,024, plus strand): 5'-TATCTCTGATAACATATATACTTCTTGCTCTACCTGGAACATGGATGAGCTTTAAGTGTA[T>C]GCAATGCAAGTTCTACCCATTAGTTTCTAGCAGCCTTGAAGATAAGTATCAGACAGTTTA-3'

ClinVar aggregate classification (germline): Benign (1 of 4 stars; one submission).

Allele frequency attached by ClinVar (database versions not stated): 1000 Genomes Project 0.70727; 1000 Genomes Project 30x 0.71377; gnomAD 0.71593 and 0.71747; TOPMed 0.73259.
gnomAD v4.1: 108,794 of 152,010 alleles (72%); highest among the groups gnomAD compares: Admixed American, 76%; 39,159 homozygotes.

Submission:

GeneDx
Classification: Benign. Last evaluated: 2018-06-18. Review status: criteria provided, single submitter. Criteria: GeneDx Variant Classification (06012015). Collection method: clinical testing. Allele origin: germline. Affected: yes.
Comment: This variant is considered likely benign or benign based on one or more of the following criteria: it is a conservative change, it occurs at a poorly conserved position in the protein, it is predicted to be benign by multiple in silico algorithms, and/or has population frequency not consistent with disease.